The following is an entry in ClinVar:

NM_016507.4(CDK12):c.4255C>T (p.Pro1419Ser)

Gene: CDK12 (cyclin dependent kinase 12; plus strand). Cytogenetic location: 17q12.
Variant type: single nucleotide variant.
Coding change: c.4255C>T on transcript NM_016507.4 (MANE Select); coding-DNA position 4255, C replaced by T.
Protein change: p.Pro1419Ser; replaces proline 1419 with serine.
Molecular consequence: missense variant.
Genome position (GRCh38, 1-based): chr17:39,531,098, C>T. VCF-style: chr17-39531098-C-T. GRCh37 (hg19) VCF-style: chr17-37687351-C-T.
Other names: c.4228C>T, p.Pro1410Ser (NM_015083.4); short protein forms P1410S, P1419S.
Identifiers: ClinVar variation 4224235 (VCV004224235.1).

ClinVar aggregate classification (germline): Uncertain significance (1 of 4 stars; one submission).

Submission:

Ambry Genetics
Classification: Uncertain significance. Last evaluated: 2025-06-28. Review status: criteria provided, single submitter. Criteria: Ambry Variant Classification Scheme 2023. Collection method: clinical testing. Allele origin: germline.
Comment: The p.P1419S variant (also known as c.4255C>T), located in coding exon 14 of the CDK12 gene, results from a C to T substitution at nucleotide position 4255. The proline at codon 1419 is replaced by serine, an amino acid with similar properties. This amino acid position is conserved. In addition, this alteration is predicted to be tolerated by in silico analysis. Based on the available evidence, the clinical significance of this variant remains unclear.